The following is an entry in ClinVar:

ClinVar aggregate classification (germline): Uncertain significance (1 of 4 stars; one submission).

Allele frequency attached by ClinVar (database versions not stated): gnomAD exomes below 0.00001.

Submission:

GeneDx
Classification: Uncertain significance. Last evaluated: 2022-10-27. Review status: criteria provided, single submitter. Criteria: GeneDx Variant Classification Process June 2021. Collection method: clinical testing. Allele origin: germline. Affected: yes.
Comment: Not observed at significant frequency in large population cohorts (gnomAD); In silico analysis supports that this missense variant does not alter protein structure/function; Has not been previously published as pathogenic or benign to our knowledge

NM_001142800.2(EYS):c.5470A>G (p.Met1824Val)

Gene: EYS (eyes shut homolog; minus strand). Cytogenetic location: 6q12.
Variant type: single nucleotide variant.
Coding change: c.5470A>G on transcript NM_001142800.2 (MANE Select); coding-DNA position 5470, A replaced by G.
Protein change: p.Met1824Val; replaces methionine 1824 with valine.
Molecular consequence: missense variant.
Genome position (GRCh38, 1-based): chr6:64,590,397, T>C on the plus strand (A>G on the coding strand, the complement: EYS is on the minus strand). VCF-style: chr6-64590397-T-C. GRCh37 (hg19) VCF-style: chr6-65300290-T-C.
Other names: c.5470A>G, p.Met1824Val (NM_001292009.2); short protein forms M1824V.
Identifiers: ClinVar variation 2500500 (VCV002500500.1), dbSNP rs1220126892, ClinGen allele CA364781040.
Genomic context (GRCh38, chr6:64,590,397, plus strand): 5'-GCTGAAGTTCCCATTTGGACCATTCTGAAGAAGTCTTGACCTCTTTTTTAAGAGAGGTCA[T>C]ATAATCTGTAAAATATGGCCAATCTGGCCTAATTACAGACATGGAGGAAGACGTCTGTAT-3'
Protein context (NP_001136272.1, residues 1814-1834): RPDWPYFTDY[Met1824Val]TSLKKEVKTS